The following is an entry in ClinVar:

ClinVar aggregate classification (germline): Uncertain significance (1 of 4 stars; one submission).

Submission:

Ambry Genetics
Classification: Uncertain significance. Last evaluated: 2025-03-07. Review status: criteria provided, single submitter. Criteria: Ambry Variant Classification Scheme 2023. Collection method: clinical testing. Allele origin: germline.
Comment: The p.K184M variant (also known as c.551A>T), located in coding exon 3 of the GALNT12 gene, results from an A to T substitution at nucleotide position 551. The lysine at codon 184 is replaced by methionine, an amino acid with similar properties. This amino acid position is conserved. In addition, the in silico prediction for this alteration is inconclusive. Since supporting evidence is limited at this time, the clinical significance of this alteration remains unclear.

NM_024642.5(GALNT12):c.551A>T (p.Lys184Met)

Gene: GALNT12 (polypeptide N-acetylgalactosaminyltransferase 12; plus strand). Cytogenetic location: 9q22.33.
Variant type: single nucleotide variant.
Coding change: c.551A>T on transcript NM_024642.5 (MANE Select); coding-DNA position 551, A replaced by T.
Protein change: p.Lys184Met; replaces lysine 184 with methionine.
Molecular consequence: missense variant.
Genome position (GRCh38, 1-based): chr9:98,826,761, A>T. VCF-style: chr9-98826761-A-T. GRCh37 (hg19) VCF-style: chr9-101589043-A-T.
Other names: short protein forms K184M.
Identifiers: ClinVar variation 2451774 (VCV002451774.3), dbSNP rs2490501303, ClinGen allele CA374217262.